The following is an entry in ClinVar:

NM_001374828.1(ARID1B):c.3089+4_3089+5insCTAC

Gene: ARID1B (AT-rich interaction domain 1B; plus strand). Cytogenetic location: 6q25.3.
Variant type: Insertion.
Coding change: c.3089+4_3089+5insCTAC on transcript NM_001374828.1 (MANE Select); bases 4 to 5 of the intron after coding-DNA position 3089, CTAC inserted.
Molecular consequence: splice donor variant.
Genome position: GRCh38 VCF-style: chr6-157148952-G-GTACC. GRCh37 (hg19) VCF-style: chr6-157470086-G-GTACC.
Other names: c.2879+4_2879+5insCTAC (NM_020732.3); c.3128+4_3128+5insCTAC (NM_001371656.1, NM_001374820.1); c.3089+4_3089+5insCTAC (NM_017519.3); c.590+4_590+5insCTAC (NM_001363725.2).
Identifiers: ClinVar variation 3047726 (VCV003047726.2), dbSNP rs2537892676, ClinGen allele CA2740091535.

ClinVar aggregate classification (germline): Likely benign (0 of 4 stars; one submission).

Conditions:
ARID1B-Related Disorder. Identifiers: MedGen CN381337.

Submission:

PreventionGenetics, part of Exact Sciences
Classification: Likely benign for ARID1B-related condition. Last evaluated: 2022-11-21. Review status: no assertion criteria provided. Collection method: clinical testing. Allele origin: germline.
Comment: This variant is classified as likely benign based on ACMG/AMP sequence variant interpretation guidelines (Richards et al. 2015 PMID: 25741868, with internal and published modifications).